The following is an entry in ClinVar:

NM_001368067.1(LDB3):c.405C>G (p.His135Gln)

Genes: LDB3 (LIM domain binding 3; plus strand), LOC110121486 (VISTA enhancer hs2143; plus strand). Cytogenetic location: 10q23.2.
Variant type: single nucleotide variant.
Coding change: c.405C>G on transcript NM_001368067.1 (MANE Plus Clinical); coding-DNA position 405, C replaced by G.
Protein change: p.His135Gln; replaces histidine 135 with glutamine.
Molecular consequence: missense variant. On other transcripts: intron variant (5).
Genome position (GRCh38, 1-based): chr10:86,687,129, C>G. VCF-style: chr10-86687129-C-G. GRCh37 (hg19) VCF-style: chr10-88446886-C-G.
Other names: c.405C>G, p.His135Gln (NM_001080114.2, NM_001080116.1, NM_001368066.1 and 1 more transcripts); c.750C>G, p.His250Gln (NM_001171610.2, NM_001171611.2); c.690-4767C>G (NM_001368064.1, NM_001368063.1, NM_007078.3 and 2 more transcripts); short protein forms H135Q, H250Q.
Identifiers: ClinVar variation 406811 (VCV000406811.13), dbSNP rs928294708, ClinGen allele CA16612858.

ClinVar aggregate classification (germline): Uncertain significance (1 of 4 stars; one submission).

Conditions:
Myofibrillar myopathy 4. Also called: Zaspopathy (type). Identifiers: Orphanet 98912, MedGen C4721886, MONDO:0012277, OMIM 609452.

Submission:

Labcorp Genetics (formerly Invitae), Labcorp
Classification: Uncertain significance for Myofibrillar myopathy 4. Last evaluated: 2019-05-03. Review status: criteria provided, single submitter. Criteria: Invitae Variant Classification Sherloc (09022015). Collection method: clinical testing. Allele origin: germline.
Comment: In summary, this variant is a novel missense change with uncertain impact on protein function. It has been classified as a Variant of Uncertain Significance. This sequence change replaces histidine with glutamine at codon 135 of the LDB3 protein (p.His135Gln). The histidine residue is weakly conserved and there is a small physicochemical difference between histidine and glutamine. This variant is not present in population databases (ExAC no frequency) and has not been reported in the literature in individuals with a LDB3-related disease. Algorithms developed to predict the effect of missense changes on protein structure and function (SIFT, PolyPhen-2, Align-GVGD) all suggest that this variant is likely to be tolerated, but these predictions have not been confirmed by published functional studies. Algorithms developed to predict the effect of sequence changes on mRNA splicing suggest that this variant may alter mRNA splicing, but this prediction has not been confirmed by published transcriptional studies.